The following is an entry in ClinVar:

ClinVar aggregate classification (germline): Uncertain significance (1 of 4 stars; one submission).

gnomAD v4.1: 7 of 1,207,668 alleles (0.00058%); highest among the groups gnomAD compares: Admixed American, 0.0022%; no homozygotes.

Submission:

Labcorp Genetics (formerly Invitae), Labcorp
Classification: Uncertain significance. Last evaluated: 2025-02-15. Review status: criteria provided, single submitter. Criteria: Invitae Variant Classification Sherloc (09022015). Collection method: clinical testing. Allele origin: germline.
Comment: This sequence change replaces aspartic acid, which is acidic and polar, with alanine, which is neutral and non-polar, at codon 2 of the CLCN5 protein (p.Asp2Ala). This variant is present in population databases (no rsID available, gnomAD 0.004%). This variant has not been reported in the literature in individuals affected with CLCN5-related conditions. An algorithm developed to predict the effect of missense changes on protein structure and function (PolyPhen-2) suggests that this variant is likely to be disruptive. In summary, the available evidence is currently insufficient to determine the role of this variant in disease. Therefore, it has been classified as a Variant of Uncertain Significance.

NM_001127898.4(CLCN5):c.215A>C (p.Asp72Ala)

Gene: CLCN5 (Cl-/H+ antiporter 5; plus strand). Cytogenetic location: Xp11.23.
Variant type: single nucleotide variant.
Coding change: c.215A>C on transcript NM_001127898.4 (MANE Select); coding-DNA position 215, A replaced by C.
Protein change: p.Asp72Ala; replaces aspartic acid 72 with alanine.
Molecular consequence: missense variant.
Genome position (GRCh38, 1-based): chrX:50,069,930, A>C. VCF-style: chrX-50069930-A-C. GRCh37 (hg19) VCF-style: chrX-49834585-A-C.
Other names: c.5A>C, p.Asp2Ala (NM_000084.5); c.215A>C, p.Asp72Ala (NM_001127899.4); c.65A>C, p.Asp22Ala (NM_001282163.2); short protein forms D22A, D72A, D2A.
Identifiers: ClinVar variation 3679207 (VCV003679207.2).